The following is an entry in ClinVar:

NM_015122.3(FCHO1):c.1136A>C (p.Gln379Pro)

Gene: FCHO1 (FCH and mu domain containing endocytic adaptor 1; plus strand). Cytogenetic location: 19p13.11.
Variant type: single nucleotide variant.
Coding change: c.1136A>C on transcript NM_015122.3 (MANE Select); coding-DNA position 1136, A replaced by C.
Protein change: p.Gln379Pro; replaces glutamine 379 with proline.
Molecular consequence: missense variant. On other transcripts: non-coding transcript variant (36).
Genome position (GRCh38, 1-based): chr19:17,776,115, A>C. VCF-style: chr19-17776115-A-C. GRCh37 (hg19) VCF-style: chr19-17886924-A-C.
Other names: c.1136A>C, p.Gln379Pro (NM_001161357.2, NM_001161358.2, NM_001384370.1 and 25 more transcripts); c.986A>C, p.Gln329Pro (NM_001161359.2, NM_001384384.1, NM_001384385.1 and 3 more transcripts); c.1061A>C, p.Gln354Pro (NM_001384390.1); c.1097A>C, p.Gln366Pro (NM_001384388.1, NM_001384389.1, NM_001384405.1); c.1091A>C, p.Gln364Pro (NM_001384403.1); short protein forms Q354P, Q329P, Q364P, Q366P, Q379P.
Identifiers: ClinVar variation 1374235 (VCV001374235.6), dbSNP rs2147129404, ClinGen allele CA404751397.

ClinVar aggregate classification (germline): Uncertain significance (1 of 4 stars; one submission).

Submission:

Labcorp Genetics (formerly Invitae), Labcorp
Classification: Uncertain significance. Last evaluated: 2022-08-09. Review status: criteria provided, single submitter. Criteria: Invitae Variant Classification Sherloc (09022015). Collection method: clinical testing. Allele origin: germline.
Comment: In summary, the available evidence is currently insufficient to determine the role of this variant in disease. Therefore, it has been classified as a Variant of Uncertain Significance. Algorithms developed to predict the effect of missense changes on protein structure and function are either unavailable or do not agree on the potential impact of this missense change (SIFT: "Tolerated"; PolyPhen-2: "Possibly Damaging"; Align-GVGD: "Class C0"). ClinVar contains an entry for this variant (Variation ID: 1374235). This variant has not been reported in the literature in individuals affected with FCHO1-related conditions. This variant is not present in population databases (gnomAD no frequency). This sequence change replaces glutamine, which is neutral and polar, with proline, which is neutral and non-polar, at codon 379 of the FCHO1 protein (p.Gln379Pro).